The following is an entry in ClinVar:

ClinVar aggregate classification (germline): Likely pathogenic (1 of 4 stars; one submission).

Conditions:
Dilated cardiomyopathy 1G (CMD1G). Identifiers: Orphanet 154, MedGen C1858763, MONDO:0011400, OMIM 604145.
Autosomal recessive limb-girdle muscular dystrophy type 2J (LGMDR10). Also called: Limb-girdle muscular dystrophy, type 2J; MUSCULAR DYSTROPHY, LIMB-GIRDLE, AUTOSOMAL RECESSIVE 10. Identifiers: Orphanet 140922, MedGen C1837342, MONDO:0012127, OMIM 608807.

Submission:

Labcorp Genetics (formerly Invitae), Labcorp
Classification: Likely pathogenic for Dilated cardiomyopathy 1G; Autosomal recessive limb-girdle muscular dystrophy type 2J. Last evaluated: 2020-08-23. Review status: criteria provided, single submitter. Criteria: Invitae Variant Classification Sherloc (09022015). Collection method: clinical testing. Allele origin: germline.
Comment: In summary, the currently available evidence indicates that the variant is pathogenic, but additional data are needed to prove that conclusively. Therefore, this variant has been classified as Likely Pathogenic. This variant is located in the A band of TTN (PMID: 25589632). Truncating variants in this region are significantly overrepresented in patients affected with dilated cardiomyopathy (PMID: 25589632). Truncating variants in this region have also been reported in individuals affected with autosomal recessive centronuclear myopathy (PMID: 23975875). This sequence change results in a premature translational stop signal in the TTN gene (p.Lys21532Cysfs*3). While this is not anticipated to result in nonsense mediated decay, it is expected to create a truncated TTN protein. This variant is not present in population databases (ExAC no frequency). This variant has not been reported in the literature in individuals with TTN-related conditions.

Literature cited by the submitters: PubMed 25589632; PubMed 23975875.

NM_001267550.2(TTN):c.64583_64592dup (p.Arg21531_Lys21532insCysAspTer)

Genes: TTN-AS1 (TTN antisense RNA 1; plus strand), TTN (titin; minus strand). Cytogenetic location: 2q31.2.
Variant type: Duplication.
Coding change: c.64583_64592dup on transcript NM_001267550.2 (MANE Select); coding-DNA positions 64583 to 64592, 10 bases duplicated (ATGTGACTAG; older notation c.64583_64592dupATGTGACTAG).
Protein change: p.Arg21531_Lys21532insCysAspTer.
Molecular consequence: nonsense, inframe insertion.
Genome position (GRCh38, 1-based): chr2:178,585,152-178,585,161, CTAGTCACAT duplicated on the plus strand (ATGTGACTAG on the coding strand, the reverse complement: TTN is on the minus strand); duplicating any 10 consecutive bases within chr2:178,585,152-178,585,163 gives the same sequence; the c. name uses the placement nearest the transcript's 3' end. VCF-style (leftmost placement, unchanged base first): chr2-178585151-C-CCTAGTCACAT. GRCh37 (hg19) VCF-style: chr2-179449878-C-CCTAGTCACAT.
Other names: c.37388_37397dup, p.Arg12466_Lys12467insCysAspTer (NM_003319.4); c.56879_56888dup, p.Arg18963_Lys18964insCysAspTer (NM_133378.4); c.37763_37772dup, p.Arg12591_Lys12592insCysAspTer (NM_133432.3); c.37964_37973dup, p.Arg12658_Lys12659insCysAspTer (NM_133437.4); c.59660_59669dup, p.Arg19890_Lys19891insCysAspTer (NM_001256850.1).
Identifiers: ClinVar variation 1067326 (VCV001067326.9), dbSNP rs2154180338, ClinGen allele CA2499215392.